The following is an entry in ClinVar:

NM_080476.5(PIGU):c.998G>A (p.Gly333Glu)

Gene: PIGU (phosphatidylinositol glycan anchor biosynthesis class U; minus strand). Cytogenetic location: 20q11.22.
Variant type: single nucleotide variant.
Coding change: c.998G>A on transcript NM_080476.5 (MANE Select); coding-DNA position 998, G replaced by A.
Protein change: p.Gly333Glu; replaces glycine 333 with glutamic acid.
Molecular consequence: missense variant.
Genome position (GRCh38, 1-based): chr20:34,581,601, C>T on the plus strand (G>A on the coding strand, the complement: PIGU is on the minus strand). VCF-style: chr20-34581601-C-T. GRCh37 (hg19) VCF-style: chr20-33169405-C-T.
Other names: p.Gly333Glu; c.998G>A (NM_080476.4); short protein forms G333E.
Identifiers: ClinVar variation 1607925 (VCV001607925.12), dbSNP rs41290896, ClinGen allele CA9822496.
Genomic context (GRCh38, chr20:34,581,601, plus strand): 5'-TACTCACATCTGTAGAGATGGTTCCACACGGGGAAGAAGGCCATGTAGAGCGCCACGTCC[C>T]CCACTGTCGGGTAGGACTTAAAGATGGCGATGACAGCGATCTGGATAAACATGAAGAAGA-3'
Protein context (NP_536724.1, residues 323-343): IAIFKSYPTV[Gly333Glu]DVALYMAFFP

ClinVar aggregate classification (germline): Benign. Review status: criteria provided, multiple submitters, no conflicts (2 of 4 stars). 4 submissions from 4 submitters: Benign (3). 1 of the submissions does not count toward it. Last evaluated 2026-02-02.

Conditions:
PIGU-related disorder. Also called: PIGU-related condition.

Allele frequency attached by ClinVar (database versions not stated): gnomAD exomes 0.00572 and 0.00812; ExAC 0.00813; 1000 Genomes Project 0.00958; 1000 Genomes Project 30x 0.01031; ESP Exome Variant Server 0.01076; TOPMed 0.01218; gnomAD 0.01133 and 0.01185.
gnomAD v4.1: 10,303 of 1,613,984 alleles (0.64%); highest among the groups gnomAD compares: Middle Eastern, 3.3%; 95 homozygotes.

Submissions (4):

Labcorp Genetics (formerly Invitae), Labcorp
Classification: Benign. Last evaluated: 2026-02-02. Review status: criteria provided, single submitter. Criteria: Invitae Variant Classification Sherloc (09022015). Collection method: clinical testing. Allele origin: germline.

Mayo Clinic Laboratories, Mayo Clinic
Classification: Benign. Last evaluated: 2022-07-07. Review status: criteria provided, single submitter. Criteria: ACMG Guidelines, 2015. Collection method: clinical testing. Allele origin: germline. Observed: 8 variant alleles.
Comment: BS1, BS2

Breakthrough Genomics
Classification: Benign. Review status: criteria provided, single submitter. Criteria: ACMG Guidelines, 2015. Collection method: not provided. Allele origin: germline. Inheritance: Autosomal recessive inheritance. Affected: yes.

PreventionGenetics, part of Exact Sciences
Classification: Benign for PIGU-related condition. Last evaluated: 2019-11-25. Review status: no assertion criteria provided. Collection method: clinical testing. Allele origin: germline. Not counted in ClinVar's aggregate classification.
Comment: This variant is classified as benign based on ACMG/AMP sequence variant interpretation guidelines (Richards et al. 2015 PMID: 25741868, with internal and published modifications).